The following is an entry in ClinVar:

ClinVar aggregate classification (germline): Uncertain significance. Review status: criteria provided, multiple submitters, no conflicts (2 of 4 stars). 3 submissions from 3 submitters: Uncertain significance (3). Last evaluated 2022-04-01.

Conditions:
Junctional epidermolysis bullosa with pyloric atresia. Also called: ITGB4-Related Epidermolysis Bullosa with Pyloric Atresia; ITGA6-Related Epidermolysis Bullosa with Pyloric Atresia; EPIDERMOLYSIS BULLOSA, JUNCTIONAL 5B, WITH PYLORIC ATRESIA; APLASIA CUTIS CONGENITA WITH GASTROINTESTINAL ATRESIA; CARMI SYNDROME; EB-PA-ACC. Identifiers: Orphanet 79403, MedGen C5676875, MONDO:0009183, OMIM 226730.
Epidermolysis bullosa, junctional 5A, intermediate. Also called: EPIDERMOLYSIS BULLOSA, JUNCTIONAL 5A, GENERALIZED INTERMEDIATE; EPIDERMOLYSIS BULLOSA, JUNCTIONAL 5A, NON-HERLITZ TYPE. Identifiers: MedGen C5676956, MONDO:0030768, OMIM 619816.

Allele frequency attached by ClinVar (database versions not stated): gnomAD exomes 0.00001 and 0.00005; ExAC 0.00008; 1000 Genomes Project 30x 0.00016; gnomAD 0.00018 and 0.00019; 1000 Genomes Project 0.00020; TOPMed 0.00022; ESP Exome Variant Server 0.00023.
gnomAD v4.1: 47 of 1,613,780 alleles (0.0029%); highest among the groups gnomAD compares: African/African-American, 0.057%; no homozygotes.

Submissions (3):

Labcorp Genetics (formerly Invitae), Labcorp
Classification: Uncertain significance. Last evaluated: 2022-04-01. Review status: criteria provided, single submitter. Criteria: Invitae Variant Classification Sherloc (09022015). Collection method: clinical testing. Allele origin: germline.
Comment: This sequence change falls in intron 7 of the ITGB4 gene. It does not directly change the encoded amino acid sequence of the ITGB4 protein. It affects a nucleotide within the consensus splice site. This variant is present in population databases (rs374647847, gnomAD 0.1%). This variant has not been reported in the literature in individuals affected with ITGB4-related conditions. ClinVar contains an entry for this variant (Variation ID: 325126). Variants that disrupt the consensus splice site are a relatively common cause of aberrant splicing (PMID: 17576681, 9536098). Algorithms developed to predict the effect of sequence changes on RNA splicing suggest that this variant may disrupt the consensus splice site. In summary, the available evidence is currently insufficient to determine the role of this variant in disease. Therefore, it has been classified as a Variant of Uncertain Significance.

Fulgent Genetics
Classification: Uncertain significance for Junctional epidermolysis bullosa with pyloric atresia; Epidermolysis bullosa, junctional 5A, intermediate. Last evaluated: 2022-01-01. Review status: criteria provided, single submitter. Criteria: ACMG Guidelines, 2015. Collection method: clinical testing. Allele origin: unknown.

Illumina Laboratory Services, Illumina
Classification: Uncertain significance for Junctional epidermolysis bullosa with pyloric atresia. Last evaluated: 2018-01-12. Review status: criteria provided, single submitter. Criteria: ICSL Variant Classification Criteria 13 December 2019. Collection method: clinical testing. Allele origin: germline.

Literature cited by the submitters: PubMed 17576681 (cited by Labcorp Genetics (formerly Invitae), Labcorp); PubMed 9536098 (cited by Labcorp Genetics (formerly Invitae), Labcorp).

NM_000213.5(ITGB4):c.738+3G>A

Gene: ITGB4 (integrin subunit beta 4; plus strand). Cytogenetic location: 17q25.1.
Variant type: single nucleotide variant.
Coding change: c.738+3G>A on transcript NM_000213.5 (MANE Select); 3 bases into the intron after coding-DNA position 738, G replaced by A.
Molecular consequence: intron variant.
Genome position (GRCh38, 1-based): chr17:75,729,439, G>A. VCF-style: chr17-75729439-G-A. GRCh37 (hg19) VCF-style: chr17-73725520-G-A.
Other names: c.738+3G>A (NM_001005619.2, NM_001005731.3, NM_001438834.1 and 1 more transcripts).
Identifiers: ClinVar variation 325126 (VCV000325126.7), dbSNP rs374647847, ClinGen allele CA8768754.
Genomic context (GRCh38, chr17:75,729,439, plus strand): 5'-CAACCTGGATGCTCCTGAGGGCGGCTTCGATGCCATCCTGCAGACAGCTGTGTGCACGGT[G>A]GGCACTGGGAAGGGTGCTGCCAGCCTAGGCCAGGGGTGAGCACTTCTGGGCAAGGGCCTG-3'